The following is an entry in ClinVar:

ClinVar aggregate classification (germline): Likely benign (1 of 4 stars; one submission).

Allele frequency attached by ClinVar (database versions not stated): ExAC 0.00008.
gnomAD v4.1: 83 of 1,613,930 alleles (0.0051%); highest among the groups gnomAD compares: South Asian, 0.061%; 1 homozygote.

Submission:

CeGaT Center for Human Genetics Tuebingen
Classification: Likely benign. Last evaluated: 2022-07-01. Review status: criteria provided, single submitter. Criteria: CeGaT Center For Human Genetics Tuebingen Variant Classification Criteria Version 2. Collection method: clinical testing. Allele origin: germline. Affected: yes. Observed: 1 variant allele.
Comment: NTNG2: BP4, BP7

NM_032536.4(NTNG2):c.348C>G (p.Pro116=)

Gene: NTNG2 (netrin G2; plus strand). Cytogenetic location: 9q34.13.
Variant type: single nucleotide variant.
Coding change: c.348C>G on transcript NM_032536.4 (MANE Select); coding-DNA position 348, C replaced by G.
Protein change: p.Pro116=; no amino-acid change (proline 116 retained).
Molecular consequence: synonymous variant.
Genome position (GRCh38, 1-based): chr9:132,198,100, C>G. VCF-style: chr9-132198100-C-G. GRCh37 (hg19) VCF-style: chr9-135073487-C-G.
Identifiers: ClinVar variation 2659641 (VCV002659641.24), dbSNP rs758834216, ClinGen allele CA5295912.